The following is an entry in ClinVar:

ClinVar aggregate classification (germline): Uncertain significance. Review status: criteria provided, multiple submitters, no conflicts (2 of 4 stars). 2 submissions from 2 submitters: Uncertain significance (2). Last evaluated 2025-10-01.

Conditions:
Inborn genetic diseases. Identifiers: MedGen C0950123, MeSH D030342.

Allele frequency attached by ClinVar (database versions not stated): TOPMed below 0.00001; ExAC 0.00002.
gnomAD v4.1: 4 of 1,614,200 alleles (0.00025%); highest among the groups gnomAD compares: Admixed American, 0.005%; no homozygotes.

Submissions (2):

Ambry Genetics
Classification: Uncertain significance for Inborn genetic diseases. Last evaluated: 2025-10-01. Review status: criteria provided, single submitter. Criteria: Ambry Variant Classification Scheme 2023. Collection method: clinical testing. Allele origin: germline.

Labcorp Genetics (formerly Invitae), Labcorp
Classification: Uncertain significance. Last evaluated: 2022-10-17. Review status: criteria provided, single submitter. Criteria: Invitae Variant Classification Sherloc (09022015). Collection method: clinical testing. Allele origin: germline.
Comment: In summary, the available evidence is currently insufficient to determine the role of this variant in disease. Therefore, it has been classified as a Variant of Uncertain Significance. Algorithms developed to predict the effect of missense changes on protein structure and function are either unavailable or do not agree on the potential impact of this missense change (SIFT: "Deleterious"; PolyPhen-2: "Probably Damaging"; Align-GVGD: "Class C0"). This variant has not been reported in the literature in individuals affected with PODXL-related conditions. This variant is present in population databases (rs748861424, gnomAD 0.009%). This sequence change replaces leucine, which is neutral and non-polar, with methionine, which is neutral and non-polar, at codon 481 of the PODXL protein (p.Leu481Met).

NM_001018111.3(PODXL):c.1537C>A (p.Leu513Met)

Gene: PODXL (podocalyxin like; minus strand). Cytogenetic location: 7q32.3.
Variant type: single nucleotide variant.
Coding change: c.1537C>A on transcript NM_001018111.3 (MANE Select); coding-DNA position 1537, C replaced by A.
Protein change: p.Leu513Met; replaces leucine 513 with methionine.
Molecular consequence: missense variant.
Genome position (GRCh38, 1-based): chr7:131,504,451, G>T on the plus strand (C>A on the coding strand, the complement: PODXL is on the minus strand). VCF-style: chr7-131504451-G-T. GRCh37 (hg19) VCF-style: chr7-131189210-G-T.
Other names: c.1441C>A, p.Leu481Met (NM_005397.4); c.1537C>A (NM_001018111.2); short protein forms L513M, L481M.
Identifiers: ClinVar variation 1936195 (VCV001936195.6), dbSNP rs748861424, ClinGen allele CA4488324.